The following is an entry in ClinVar:

ClinVar aggregate classification (germline): Uncertain significance. Review status: criteria provided, multiple submitters, no conflicts (2 of 4 stars). 2 submissions from 2 submitters: Uncertain significance (2). Last evaluated 2026-01-14.

Conditions:
Charcot-Marie-Tooth disease type 2E (CMT2E). Also called: CHARCOT-MARIE-TOOTH DISEASE, AXONAL, TYPE 2E; CHARCOT-MARIE-TOOTH NEUROPATHY, TYPE 2E. Identifiers: Orphanet 99939, MedGen C1843225, MONDO:0011894, OMIM 607684.
Inborn genetic diseases. Identifiers: MedGen C0950123, MeSH D030342.

Submissions (2):

Ambry Genetics
Classification: Uncertain significance for Inborn genetic diseases. Last evaluated: 2026-01-14. Review status: criteria provided, single submitter. Criteria: Ambry Variant Classification Scheme 2023. Collection method: clinical testing. Allele origin: germline.

Labcorp Genetics (formerly Invitae), Labcorp
Classification: Uncertain significance for Charcot-Marie-Tooth disease type 2E. Last evaluated: 2025-11-25. Review status: criteria provided, single submitter. Criteria: Invitae Variant Classification Sherloc (09022015). Collection method: clinical testing. Allele origin: germline.
Comment: This sequence change replaces alanine, which is neutral and non-polar, with proline, which is neutral and non-polar, at codon 205 of the NEFL protein (p.Ala205Pro). This variant is not present in population databases (gnomAD no frequency). This variant has not been reported in the literature in individuals affected with NEFL-related conditions. Invitae Evidence Modeling of protein sequence and biophysical properties (such as structural, functional, and spatial information, amino acid conservation, physicochemical variation, residue mobility, and thermodynamic stability) has been performed for this missense variant. However, the output from this modeling did not meet the statistical confidence thresholds required to predict the impact of this variant on NEFL protein function. In summary, the available evidence is currently insufficient to determine the role of this variant in disease. Therefore, it has been classified as a Variant of Uncertain Significance.

NM_006158.5(NEFL):c.613G>C (p.Ala205Pro)

Gene: NEFL (neurofilament light chain; minus strand). Cytogenetic location: 8p21.2.
Variant type: single nucleotide variant.
Coding change: c.613G>C on transcript NM_006158.5 (MANE Select); coding-DNA position 613, G replaced by C.
Protein change: p.Ala205Pro; replaces alanine 205 with proline.
Molecular consequence: missense variant.
Genome position (GRCh38, 1-based): chr8:24,955,903, C>G on the plus strand (G>C on the coding strand, the complement: NEFL is on the minus strand). VCF-style: chr8-24955903-C-G. GRCh37 (hg19) VCF-style: chr8-24813417-C-G.
Other names: c.613G>C (NM_006158.3); short protein forms A205P.
Identifiers: ClinVar variation 4690696 (VCV004690696.2).